The following is an entry in ClinVar:

ClinVar aggregate classification (germline): Uncertain significance (1 of 4 stars; one submission).

Submission:

Labcorp Genetics (formerly Invitae), Labcorp
Classification: Uncertain significance. Last evaluated: 2024-11-18. Review status: criteria provided, single submitter. Criteria: Invitae Variant Classification Sherloc (09022015). Collection method: clinical testing. Allele origin: germline.
Comment: This sequence change replaces lysine, which is basic and polar, with glutamic acid, which is acidic and polar, at codon 199 of the CTNNA1 protein (p.Lys199Glu). This variant is not present in population databases (gnomAD no frequency). This variant has not been reported in the literature in individuals affected with CTNNA1-related conditions. ClinVar contains an entry for this variant (Variation ID: 1438318). Invitae Evidence Modeling of protein sequence and biophysical properties (such as structural, functional, and spatial information, amino acid conservation, physicochemical variation, residue mobility, and thermodynamic stability) indicates that this missense variant is expected to disrupt CTNNA1 protein function with a positive predictive value of 80%. In summary, the available evidence is currently insufficient to determine the role of this variant in disease. Therefore, it has been classified as a Variant of Uncertain Significance.

NM_001903.5(CTNNA1):c.595A>G (p.Lys199Glu)

Gene: CTNNA1 (catenin alpha 1; plus strand). Cytogenetic location: 5q31.2.
Variant type: single nucleotide variant.
Coding change: c.595A>G on transcript NM_001903.5 (MANE Select); coding-DNA position 595, A replaced by G.
Protein change: p.Lys199Glu; replaces lysine 199 with glutamic acid.
Molecular consequence: missense variant.
Genome position (GRCh38, 1-based): chr5:138,824,536, A>G. VCF-style: chr5-138824536-A-G. GRCh37 (hg19) VCF-style: chr5-138160225-A-G.
Other names: c.595A>G, p.Lys199Glu (NM_001290307.3, NM_001323982.2, NM_001323983.1 and 3 more transcripts); c.286A>G, p.Lys96Glu (NM_001290309.3); c.226A>G, p.Lys76Glu (NM_001290310.3); short protein forms K199E, K76E, K96E.
Identifiers: ClinVar variation 1438318 (VCV001438318.6), dbSNP rs2149775442, ClinGen allele CA361129372.